The following is an entry in ClinVar:

NM_001273.5(CHD4):c.3547C>T (p.Arg1183Cys)

Gene: CHD4 (chromodomain helicase DNA binding protein 4; minus strand). Cytogenetic location: 12p13.31.
Variant type: single nucleotide variant.
Coding change: c.3547C>T on transcript NM_001273.5 (MANE Select); coding-DNA position 3547, C replaced by T.
Protein change: p.Arg1183Cys; replaces arginine 1183 with cysteine.
Molecular consequence: missense variant.
Genome position (GRCh38, 1-based): chr12:6,587,868, G>A on the plus strand (C>T on the coding strand, the complement: CHD4 is on the minus strand). VCF-style: chr12-6587868-G-A. GRCh37 (hg19) VCF-style: chr12-6697034-G-A.
Other names: c.3547C>T (NM_001273.2); c.3526C>T, p.Arg1176Cys (NM_001297553.2); c.3508C>T, p.Arg1170Cys (NM_001363606.2); short protein forms R1170C, R1176C, R1183C.
Identifiers: ClinVar variation 1173088 (VCV001173088.7), dbSNP rs2136209158, ClinGen allele CA383581943.

ClinVar aggregate classification (germline): Pathogenic/Likely pathogenic. Review status: criteria provided, multiple submitters, no conflicts (2 of 4 stars). 4 submissions from 4 submitters: Pathogenic (3); Likely pathogenic (1). Last evaluated 2023-12-17.

Conditions:
Sifrim-Hitz-Weiss syndrome (SIHIWES). Also called: CHD4 Neurodevelopmental Disorder; SIFRIM-HITZ-WEISS MULTIPLE CONGENITAL ANOMALIES-MENTAL RETARDATION SYNDROME. Identifiers: Orphanet 653712, MedGen C4310688, MONDO:0014946, OMIM 617159.
Inborn genetic diseases. Identifiers: MedGen C0950123, MeSH D030342.

Submissions (4):

GeneDx
Classification: Pathogenic. Last evaluated: 2023-12-17. Review status: criteria provided, single submitter. Criteria: GeneDx Variant Classification Process June 2021. Collection method: clinical testing. Allele origin: germline. Affected: yes.
Comment: Not observed at significant frequency in large population cohorts (gnomAD); In silico analysis supports that this missense variant has a deleterious effect on protein structure/function; This variant is associated with the following publications: (PMID: 26492180, 31388190)

Ambry Genetics
Classification: Pathogenic for Inborn genetic diseases. Last evaluated: 2022-11-03. Review status: criteria provided, single submitter. Criteria: Ambry Variant Classification Scheme 2023. Collection method: clinical testing. Allele origin: germline.
Comment: The c.3547C>T (p.R1183C) alteration is located in exon 24 (coding exon 23) of the CHD4 gene. This alteration results from a C to T substitution at nucleotide position 3547, causing the arginine (R) at amino acid position 1183 to be replaced by a cysteine (C). This variant was not reported in population-based cohorts in the Genome Aggregation Database (gnomAD). This alteration was reported as a de novo occurrence in at least one individual with global developmental delay and hearing impairment (DECIPHER v.9.32; Weiss, 2020). This amino acid position is well conserved in available vertebrate species. This missense alteration is located in a region that has a low rate of benign missense variation (Lek, 2016; Firth, 2009). Based on internal structural analysis, R1183C disrupts interactions with DNA in a manner similar to a nearby putative pathogenic variant (Farnung, 2020). This alteration is predicted to be deleterious by in silico analysis. Based on the available evidence, this alteration is classified as pathogenic.

Diagnostics Services (NGS), CSIR - Centre For Cellular And Molecular Biology
Classification: Likely pathogenic for Sifrim-Hitz-Weiss syndrome. Last evaluated: 2021-01-25. Review status: criteria provided, single submitter. Criteria: ACMG Guidelines, 2015. Collection method: clinical testing. Allele origin: unknown. Inheritance: Autosomal dominant inheritance. Affected: yes. Observed: 1 variant allele, 1 heterozygote.
Comment: The c.3547C>T variant is not present in publicly available population databases like 1000 Genomes, Exome Variant Server (EVS), Exome Aggregation Consortium (ExAC), Genome Aggregation Database (gnomAD) and dbSNP. The variant is not present in our in-house exome database.The variant was not reported earlier to ClinVar, Human Genome Mutation Database (HGMD) and OMIM datanbases. In-silico pathogenicity prediction programs like SIFT, Polyphen-2, MutationTaster2, CADD, InterVar, Varsome etc. predicted this variant to be likely deleterious. However there are no reported or established functional studies present to prove it's pathogenicity. Due to lack of enough evidence the variant has been classified as Likely Pathogenic.

Clinical Genetics Service, Universitary Hospital 12 de Octubre
Classification: Pathogenic for Sifrim-Hitz-Weiss syndrome. Review status: criteria provided, single submitter. Criteria: ACMG Guidelines, 2015. Collection method: clinical testing. Allele origin: germline. Affected: yes.

Literature cited by the submitters: PubMed 27616479 (cited by Ambry Genetics); PubMed 31388190 (cited by Ambry Genetics); PubMed 32543371 (cited by Ambry Genetics).